The following is an entry in ClinVar:

NM_001114748.2(TMEM240):c.395C>T (p.Pro132Leu)

Gene: TMEM240 (transmembrane protein 240; minus strand). Cytogenetic location: 1p36.33.
Variant type: single nucleotide variant.
Coding change: c.395C>T on transcript NM_001114748.2 (MANE Select); coding-DNA position 395, C replaced by T.
Protein change: p.Pro132Leu; replaces proline 132 with leucine.
Molecular consequence: missense variant.
Genome position (GRCh38, 1-based): chr1:1,535,486, G>A on the plus strand (C>T on the coding strand, the complement: TMEM240 is on the minus strand). VCF-style: chr1-1535486-G-A. GRCh37 (hg19) VCF-style: chr1-1470866-G-A.
Other names: short protein forms P132L.
Identifiers: ClinVar variation 2032267 (VCV002032267.4), dbSNP rs1642200101, ClinGen allele CA337866152.

ClinVar aggregate classification (germline): Uncertain significance (1 of 4 stars; one submission).

Allele frequency attached by ClinVar (database versions not stated): gnomAD 0.00001; TOPMed 0.00001.

Submission:

Labcorp Genetics (formerly Invitae), Labcorp
Classification: Uncertain significance. Last evaluated: 2022-10-19. Review status: criteria provided, single submitter. Criteria: Invitae Variant Classification Sherloc (09022015). Collection method: clinical testing. Allele origin: germline.
Comment: This sequence change replaces proline, which is neutral and non-polar, with leucine, which is neutral and non-polar, at codon 132 of the TMEM240 protein (p.Pro132Leu). This variant is not present in population databases (gnomAD no frequency). This variant has not been reported in the literature in individuals affected with TMEM240-related conditions. This missense change has been observed in at least one individual who was not affected with TMEM240-related conditions (Invitae). Algorithms developed to predict the effect of missense changes on protein structure and function are either unavailable or do not agree on the potential impact of this missense change (SIFT: "Deleterious"; PolyPhen-2: "Probably Damaging"; Align-GVGD: "Class C15"). In summary, the available evidence is currently insufficient to determine the role of this variant in disease. Therefore, it has been classified as a Variant of Uncertain Significance.